The following is an entry in ClinVar:

ClinVar aggregate classification (germline): Pathogenic (1 of 4 stars; one submission).

Conditions:
Gaucher disease. Also called: Acute cerebral Gaucher disease; Cerebroside lipidosis syndrome; Gaucher splenomegaly; Sphingolipidosis 1; Glucocerebrosidosis; Glucosylceramidase deficiency. Identifiers: Orphanet 355, MedGen C0017205, MONDO:0018150.

Submission:

Natera, Inc.
Classification: Pathogenic for Gaucher disease. Last evaluated: 2024-04-11. Review status: criteria provided, single submitter. Criteria: Natera Variant Classification Schema (03/2026). Collection method: clinical testing. Allele origin: germline.
Comment: The c.1249_1251delTGG variant in GBA1 is an in-frame deletion predicted to remove tryptophan at amino acid 417 while preserving the reading frame. This variant is rare in the general population with a frequency below the threshold expected for the associated phenotype(s). This variant has been observed in one or more individuals affected with the associated recessive disease, as either homozygous or compound heterozygous with a second variant (PMID: 34649574, 34134921). Additionally, this variant has been observed to segregate in affected family members (PMID: 21384230). This variant results in a change to the protein length while preserving reading frame, which may disrupt normal protein structure or function. Computational prediction algorithms indicate this variant is likely to affect gene or protein function. Given the available evidence, this variant is classified as Pathogenic.

Literature cited by the submitters: PubMed 34649574; PubMed 34134921; PubMed 21384230.

NM_000157.4(GBA1):c.1249_1251del (p.Trp417del)

Genes: GBA1 (glucosylceramidase beta 1; minus strand), LOC106627981 (GBA recombination region; plus strand). Cytogenetic location: 1q22.
Variant type: Deletion.
Coding change: c.1249_1251del on transcript NM_000157.4 (MANE Select); coding-DNA positions 1249 to 1251, 3 bases deleted (TGG; older notation c.1249_1251delTGG).
Protein change: p.Trp417del; deletes tryptophan 417.
Molecular consequence: inframe deletion.
Genome position (GRCh38, 1-based): chr1:155,235,818-155,235,820, CCA deleted on the plus strand (TGG on the coding strand, the reverse complement: GBA1 is on the minus strand). VCF-style (leftmost placement, unchanged base first): chr1-155235817-TCCA-T. GRCh37 (hg19) VCF-style: chr1-155205608-TCCA-T.
Other names: c.1249_1251del, p.Trp417del (NM_001005741.3, NM_001005742.3); c.988_990del, p.Trp330del (NM_001171811.2); c.1102_1104del, p.Trp368del (NM_001171812.2); short protein forms W330del, W368del, W417del.
Identifiers: ClinVar variation 4817703 (VCV004817703.1).